The following is an entry in ClinVar:

NM_001103146.3(GIGYF2):c.520C>T (p.Arg174Ter)

Gene: GIGYF2 (GRB10 interacting GYF protein 2; plus strand). Cytogenetic location: 2q37.1.
Variant type: single nucleotide variant.
Coding change: c.520C>T on transcript NM_001103146.3 (MANE Select); coding-DNA position 520, C replaced by T.
Protein change: p.Arg174Ter; replaces arginine 174 with a stop codon.
Molecular consequence: nonsense. On other transcripts: non-coding transcript variant (1).
Genome position (GRCh38, 1-based): chr2:232,761,424, C>T. VCF-style: chr2-232761424-C-T. GRCh37 (hg19) VCF-style: chr2-233626134-C-T.
Other names: c.520C>T, p.Arg174Ter (NM_001103147.2, NM_001103148.2, NM_015575.4); short protein forms R174*.
Identifiers: ClinVar variation 4888158 (VCV004888158.1).

ClinVar aggregate classification (germline): Uncertain significance (1 of 4 stars; one submission).

Submission:

GeneDx
Classification: Uncertain significance. Last evaluated: 2022-07-13. Review status: criteria provided, single submitter. Criteria: GeneDx Variant Classification Process June 2021. Collection method: clinical testing. Allele origin: germline.
Comment: Nonsense variant predicted to result in protein truncation or nonsense mediated decay in a gene or region of a gene for which loss of function is not a well-established mechanism of disease; Not observed at significant frequency in large population cohorts (gnomAD); Has not been previously published as pathogenic or benign to our knowledge